The following is an entry in ClinVar:

ClinVar aggregate classification (germline): Uncertain significance (1 of 4 stars; one submission).

Allele frequency attached by ClinVar (database versions not stated): TOPMed below 0.00001; ExAC 0.00001; gnomAD exomes 0.00001.

Submission:

GeneDx
Classification: Uncertain significance. Last evaluated: 2021-04-29. Review status: criteria provided, single submitter. Criteria: GeneDx Variant Classification Process June 2021. Collection method: clinical testing. Allele origin: germline. Affected: yes.
Comment: Frameshift variant predicted to result in protein truncation as the last 10 amino acids are replaced with 2 different amino acids, although loss-of-function variants have not been reported downstream of this position in the protein; Has not been previously published as pathogenic or benign to our knowledge

NM_015021.3(ZNF292):c.8139dup (p.Ile2714fs)

Gene: ZNF292 (zinc finger protein 292; plus strand). Cytogenetic location: 6q14.3.
Variant type: Duplication.
Coding change: c.8139dup on transcript NM_015021.3 (MANE Select); coding-DNA position 8139, one base duplicated (T; older notation c.8139dupT).
Protein change: p.Ile2714fs; shifts the reading frame from isoleucine 2714.
Molecular consequence: frameshift variant.
Genome position (GRCh38, 1-based): chr6:87,261,768, T duplicated. VCF-style (leftmost placement, unchanged base first): chr6-87261767-G-GT. GRCh37 (hg19) VCF-style: chr6-87971485-G-GT.
Other names: c.7719dup, p.Ile2574fs (NM_001351444.2); short protein forms I2574fs, I2714fs.
Identifiers: ClinVar variation 1318888 (VCV001318888.2), dbSNP rs769701632, ClinGen allele CA3914923.